The following is an entry in ClinVar:

NM_000152.5(GAA):c.989G>A (p.Trp330Ter)

Gene: GAA (alpha glucosidase; plus strand). Cytogenetic location: 17q25.3.
Variant type: single nucleotide variant.
Coding change: c.989G>A on transcript NM_000152.5 (MANE Select); coding-DNA position 989, G replaced by A.
Protein change: p.Trp330Ter; replaces tryptophan 330 with a stop codon.
Molecular consequence: nonsense.
Genome position (GRCh38, 1-based): chr17:80,108,323, G>A. VCF-style: chr17-80108323-G-A. GRCh37 (hg19) VCF-style: chr17-78082122-G-A.
Other names: c.989G>A (LRG_673t1); c.989G>A, p.Trp330Ter (NM_001079803.3, NM_001079804.3); short protein forms W330*.
Identifiers: ClinVar variation 550355 (VCV000550355.19), dbSNP rs1555599960, ClinGen allele CA401364487.

ClinVar aggregate classification (germline): Pathogenic. Review status: reviewed by expert panel (3 of 4 stars). 6 submissions from 6 submitters: Pathogenic (1). 5 of the submissions do not count toward it. Last evaluated 2020-04-21.

Conditions:
Glycogen storage disease, type II (IOPD). Also called: POMPE DISEASE, INFANTILE-ONSET; GLYCOGEN STORAGE DISEASE II, INFANTILE-ONSET; ACID ALPHA-GLUCOSIDASE DEFICIENCY, INFANTILE-ONSET; GAA DEFICIENCY, INFANTILE-ONSET; ACID MALTASE DEFICIENCY, INFANTILE-ONSET; CARDIOMEGALIA GLYCOGENICA DIFFUSA. Identifiers: Orphanet 365, MedGen C0017921, MONDO:0009290, OMIM 232300.

Allele frequency attached by ClinVar (database versions not stated): gnomAD 0.00001; gnomAD exomes 0.00001.

Submissions (6):

ClinGen Lysosomal Storage Disorder Variant Curation Expert Panel
Classification: Pathogenic for Glycogen storage disease, type II. Last evaluated: 2020-04-21. Review status: reviewed by expert panel. Criteria: ClinGen LSD ACMG Specifications v1. Collection method: curation. Allele origin: germline. Inheritance: Autosomal recessive inheritance.
Comment: This variant, c.989G>A (p.Trp330Ter), is a nonsense variant that is predicted to result in nonsense mediated decay and lack of gene product, meeting PVS1. Two individuals with Pompe disease and meeting the ClinGen LSD VCEP's specifications for PP4 have been reported in the literature. These individuals are non-identical twins and are compound heterozyous for the variant and c.1655T>C (p.Leu552Pro); this in trans data was used in the assessment of p.Leu552Pro and therefore was not included here in order to avoid a circular argument. Another individual was reported to be compound heterozygous for the variant and c.-32-13T>G (PMID 29880332). While this patient was described as having reduced GAA activity in dried blood spots, the normal range for the assay was not provided and therefore this data was not included. The variant is absent in gnomAD v2.1.1, meeting PM2. There is a ClinVar entry for this variant (Variation ID 550355; 1 star review status) with one submitter classifying the variant as likely pathogenic. In summary, the variant meets the criteria to be classified as pathogenic for Pompe disease. ACMG-AMP criteria met, based on the specifications of the ClinGen LSD VCEP: PVS1, PM2, PP4.

Genomenon, Inc
Classification: Pathogenic for Glycogen storage disease, type II. Last evaluated: 2026-07-01. Review status: criteria provided, single submitter. Criteria: Genomenon Sequence Variant Interpretation Standards - Updated. Collection method: curation. Allele origin: germline. Affected: yes. Not counted in ClinVar's aggregate classification.
Comment: GAA p.Trp330Ter (c.989G>A) is a nonsense variant that introduces a premature stop codon at amino acid position 330 and is predicted to result in a truncated or absent protein product. This variant has been observed in at least one proband with a GAA-related disorder (PMID:33301762;31606152;12923862). Functional studies have been reported (PMID:34606154). It is absent or not present at a significant frequency in gnomAD. In conclusion, we classify GAA p.Trp330Ter (c.989G>A) as a pathogenic variant.

Baylor Genetics
Classification: Pathogenic for Glycogen storage disease, type II. Last evaluated: 2024-03-27. Review status: criteria provided, single submitter. Criteria: ACMG Guidelines, 2015. Collection method: clinical testing. Allele origin: unknown. Not counted in ClinVar's aggregate classification.

Labcorp Genetics (formerly Invitae), Labcorp
Classification: Pathogenic for Glycogen storage disease, type II. Last evaluated: 2023-07-15. Review status: criteria provided, single submitter. Criteria: Invitae Variant Classification Sherloc (09022015). Collection method: clinical testing. Allele origin: germline. Not counted in ClinVar's aggregate classification.
Comment: For these reasons, this variant has been classified as Pathogenic. Algorithms developed to predict the effect of sequence changes on RNA splicing suggest that this variant may disrupt the consensus splice site. ClinVar contains an entry for this variant (Variation ID: 550355). This premature translational stop signal has been observed in individual(s) with Pompe disease (PMID: 12923862). It has also been observed to segregate with disease in related individuals. This variant is not present in population databases (gnomAD no frequency). This sequence change creates a premature translational stop signal (p.Trp330*) in the GAA gene. It is expected to result in an absent or disrupted protein product. Loss-of-function variants in GAA are known to be pathogenic (PMID: 18425781, 22252923).

GeneDx
Classification: Pathogenic. Last evaluated: 2022-04-06. Review status: criteria provided, single submitter. Criteria: GeneDx Variant Classification Process June 2021. Collection method: clinical testing. Allele origin: germline. Affected: yes. Not counted in ClinVar's aggregate classification.
Comment: Not observed at significant frequency in large population cohorts (gnomAD); Nonsense variant predicted to result in protein truncation or nonsense mediated decay in a gene for which loss of function is a known mechanism of disease; Reported in ClinVar as pathogenic by the ClinGen Lysosomal Storage Disorder Variant Curation Expert Panel (ClinVar Variant ID#550355; SCV001371765.1 ); This variant is associated with the following publications: (PMID: 25525159, 18425781, 22252923, 12923862, 29880332)

Counsyl
Classification: Likely pathogenic for Glycogen storage disease, type II. Last evaluated: 2017-01-10. Review status: no assertion criteria provided. Collection method: clinical testing. Allele origin: unknown. Not counted in ClinVar's aggregate classification.

Literature cited by the submitters: PubMed 12923862 (cited by 4 submitters); PubMed 33301762 (cited by Genomenon, Inc); PubMed 31606152 (cited by Genomenon, Inc); PubMed 34606154 (cited by Genomenon, Inc); PubMed 18425781 (cited by Labcorp Genetics (formerly Invitae), Labcorp); PubMed 22252923 (cited by Labcorp Genetics (formerly Invitae), Labcorp).